The following is an entry in ClinVar:

NM_030773.4(TUBB1):c.3G>A (p.Met1Ile)

Gene: TUBB1 (tubulin beta 1 class VI; plus strand). Cytogenetic location: 20q13.32.
Variant type: single nucleotide variant.
Coding change: c.3G>A on transcript NM_030773.4 (MANE Select); coding-DNA position 3, G replaced by A.
Protein change: p.Met1Ile; changes the start codon (methionine 1).
Molecular consequence: missense variant, initiator codon variant.
Genome position (GRCh38, 1-based): chr20:59,019,525, G>A. VCF-style: chr20-59019525-G-A. GRCh37 (hg19) VCF-style: chr20-57594580-G-A.
Other names: short protein forms M1I.
Identifiers: ClinVar variation 2810179 (VCV002810179.3), dbSNP rs764451528, ClinGen allele CA9928315.
Genomic context (GRCh38, chr20:59,019,525, plus strand): 5'-CTGGATTCTGAGAGTCTGAGGATTCCGTGAAGATCTCAGACTTGGGCTCAGAGCAAGGAT[G>A]CGTGAAATTGTCCATATTCAGATTGGCCAGTGTGGCAACCAGATCGGAGCCAAGGTAAGT-3'
Protein context (NP_110400.1, residues 1-11): [Met1Ile]REIVHIQIGQ

ClinVar aggregate classification (germline): Uncertain significance (1 of 4 stars; one submission).

Allele frequency attached by ClinVar (database versions not stated): gnomAD exomes below 0.00001; ExAC 0.00001.

Submission:

Labcorp Genetics (formerly Invitae), Labcorp
Classification: Uncertain significance. Last evaluated: 2022-10-27. Review status: criteria provided, single submitter. Criteria: Invitae Variant Classification Sherloc (09022015). Collection method: clinical testing. Allele origin: germline.
Comment: This sequence change affects the initiator methionine of the TUBB1 mRNA. The next in-frame methionine is located at codon 23. This variant is present in population databases (rs764451528, gnomAD 0.003%). This variant has not been reported in the literature in individuals affected with TUBB1-related conditions. Experimental studies and prediction algorithms are not available or were not evaluated, and the functional significance of this variant is currently unknown. In summary, the available evidence is currently insufficient to determine the role of this variant in disease. Therefore, it has been classified as a Variant of Uncertain Significance.